The following is an entry in ClinVar:

NM_000264.5(PTCH1):c.4322C>T (p.Pro1441Leu)

Gene: PTCH1 (patched 1; minus strand). Cytogenetic location: 9q22.32.
Variant type: single nucleotide variant.
Coding change: c.4322C>T on transcript NM_000264.5 (MANE Select); coding-DNA position 4322, C replaced by T.
Protein change: p.Pro1441Leu; replaces proline 1441 with leucine.
Molecular consequence: missense variant. On other transcripts: non-coding transcript variant (1).
Genome position (GRCh38, 1-based): chr9:95,446,934, G>A on the plus strand (C>T on the coding strand, the complement: PTCH1 is on the minus strand). VCF-style: chr9-95446934-G-A. GRCh37 (hg19) VCF-style: chr9-98209216-G-A.
Other names: c.4124C>T, p.Pro1375Leu (NM_001083602.3); c.4319C>T, p.Pro1440Leu (NM_001083603.3); c.3869C>T, p.Pro1290Leu (NM_001083604.3, NM_001083605.3, NM_001083606.3 and 1 more transcripts); c.4166C>T, p.Pro1389Leu (NM_001354918.2); short protein forms P1375L, P1441L, P1389L, P1440L, P1290L.
Identifiers: ClinVar variation 913151 (VCV000913151.15), dbSNP rs775192032, ClinGen allele CA5137897.

ClinVar aggregate classification (germline): Uncertain significance. Review status: criteria provided, multiple submitters, no conflicts (2 of 4 stars). 4 submissions from 3 submitters: Uncertain significance (4). Last evaluated 2025-04-30.

Conditions:
Gorlin syndrome. Also called: Basal cell nevus syndrome; Nevoid Basal Cell Carcinoma Syndrome. Identifiers: Orphanet 377, MedGen C0004779, MONDO:0007187.
Holoprosencephaly 7 (HPE7). Identifiers: Orphanet 2162, MedGen C1835820, MONDO:0012562, OMIM 610828.
Hereditary cancer-predisposing syndrome. Also called: Hereditary Cancer Syndrome; Tumor predisposition; Hereditary neoplastic syndrome; Neoplastic Syndromes, Hereditary. Identifiers: Orphanet 140162, MedGen C0027672, MeSH D009386, MONDO:0015356.

Allele frequency attached by ClinVar (database versions not stated): ExAC 0.00001; gnomAD exomes 0.00001 and 0.00002; TOPMed 0.00001.

Submissions (4):

Labcorp Genetics (formerly Invitae), Labcorp
Classification: Uncertain significance for Gorlin syndrome. Last evaluated: 2025-04-30. Review status: criteria provided, single submitter. Criteria: Invitae Variant Classification Sherloc (09022015). Collection method: clinical testing. Allele origin: germline.
Comment: This sequence change replaces proline, which is neutral and non-polar, with leucine, which is neutral and non-polar, at codon 1441 of the PTCH1 protein (p.Pro1441Leu). This variant is present in population databases (rs775192032, gnomAD 0.009%). This variant has not been reported in the literature in individuals affected with PTCH1-related conditions. ClinVar contains an entry for this variant (Variation ID: 913151). Invitae Evidence Modeling of protein sequence and biophysical properties (such as structural, functional, and spatial information, amino acid conservation, physicochemical variation, residue mobility, and thermodynamic stability) indicates that this missense variant is not expected to disrupt PTCH1 protein function with a negative predictive value of 95%. In summary, the available evidence is currently insufficient to determine the role of this variant in disease. Therefore, it has been classified as a Variant of Uncertain Significance.

Ambry Genetics
Classification: Uncertain significance for Hereditary cancer-predisposing syndrome. Last evaluated: 2024-07-27. Review status: criteria provided, single submitter. Criteria: Ambry Variant Classification Scheme 2023. Collection method: clinical testing. Allele origin: germline.
Comment: The p.P1441L variant (also known as c.4322C>T), located in coding exon 23 of the PTCH1 gene, results from a C to T substitution at nucleotide position 4322. The proline at codon 1441 is replaced by leucine, an amino acid with similar properties. This amino acid position is conserved. In addition, this alteration is predicted to be tolerated by in silico analysis. Since supporting evidence is limited at this time, the clinical significance of this alteration remains unclear.

Illumina Laboratory Services, Illumina
Classification: Uncertain significance for Basal cell nevus syndrome 1. Last evaluated: 2018-01-13. Review status: criteria provided, single submitter. Criteria: ICSL Variant Classification Criteria 13 December 2019. Collection method: clinical testing. Allele origin: germline.

Illumina Laboratory Services, Illumina
Classification: Uncertain significance for Holoprosencephaly 7. Last evaluated: 2018-01-13. Review status: criteria provided, single submitter. Criteria: ICSL Variant Classification Criteria 13 December 2019. Collection method: clinical testing. Allele origin: germline.